The following is an entry in ClinVar:

NM_001365276.2(TNXB):c.2929del (p.Leu977fs)

Gene: TNXB (tenascin XB; minus strand). Cytogenetic location: 6p21.33.
Variant type: Deletion.
Coding change: c.2929del on transcript NM_001365276.2 (MANE Select); coding-DNA position 2929, one base deleted (C; older notation c.2929delC).
Protein change: p.Leu977fs; shifts the reading frame from leucine 977.
Molecular consequence: frameshift variant.
Genome position (GRCh38, 1-based): chr6:32,085,969, G deleted on the plus strand (C on the coding strand, the reverse complement: TNXB is on the minus strand); the first of 2 consecutive G bases (chr6:32,085,969-32,085,970); deleting either gives the same sequence. VCF-style (leftmost placement, unchanged base first): chr6-32085968-AG-A. GRCh37 (hg19) VCF-style: chr6-32053745-AG-A.
Other names: c.2929del, p.Leu977fs (NM_019105.8); short protein forms L977fs.
Identifiers: ClinVar variation 1797774 (VCV001797774.2), dbSNP rs2483701960, ClinGen allele CA2580074312.
Genomic context (GRCh38, chr6:32,085,968, plus strand): 5'-ACCCGCATGCGCAGTTGGAAGTAGGCAAAGGTGTCAGGCTGGGCGGTCCAGACCACACGG[AG>A]GCGCCCTGTCTCATCTCTGCCCAGCACCCTCAACTCTCCCAGCTCCTGGGGGCGCTGCTG-3'

ClinVar aggregate classification (germline): Pathogenic (1 of 4 stars; one submission).

Conditions:
Cardiovascular phenotype. Identifiers: MedGen CN230736.

Submission:

Ambry Genetics
Classification: Pathogenic for Cardiovascular phenotype. Last evaluated: 2020-05-01. Review status: criteria provided, single submitter. Criteria: Ambry Variant Classification Scheme 2023. Collection method: clinical testing. Allele origin: germline.
Comment: The c.2929delC pathogenic mutation, located in coding exon 6 of the TNXB gene, results from a deletion of one nucleotide at nucleotide position 2929, causing a translational frameshift with a predicted alternate stop codon (p.L977Sfs*92). This alteration is expected to result in loss of function by premature protein truncation or nonsense-mediated mRNA decay. As such, this alteration is interpreted as a disease-causing mutation.